The following is an entry in ClinVar:

NM_014704.4(CEP104):c.490G>T (p.Ala164Ser)

Gene: CEP104 (centrosomal protein 104; minus strand). Cytogenetic location: 1p36.32.
Variant type: single nucleotide variant.
Coding change: c.490G>T on transcript NM_014704.4 (MANE Select); coding-DNA position 490, G replaced by T.
Protein change: p.Ala164Ser; replaces alanine 164 with serine.
Molecular consequence: missense variant.
Genome position (GRCh38, 1-based): chr1:3,844,983, C>A on the plus strand (G>T on the coding strand, the complement: CEP104 is on the minus strand). VCF-style: chr1-3844983-C-A. GRCh37 (hg19) VCF-style: chr1-3761547-C-A.
Other names: p.Ala164Ser; short protein forms A164S.
Identifiers: ClinVar variation 707262 (VCV000707262.17), dbSNP rs140856596, ClinGen allele CA551943.
Genomic context (GRCh38, chr1:3,844,983, plus strand): 5'-CTAGAGCAGGGTCCTCGCTGTTGTGCCCAAGGTAGTGGTCAATCAACTTCTCTCGAGAGG[C>A]CTTTGGGGGCAAAACATCTGCTTAGTGTCTCAGAGAGAAAGAGGAACAACACAAAACCTT-3'
Protein context (NP_055519.1, residues 154-174): PADFSDESNT[Ala164Ser]SREKLIDHYL

ClinVar aggregate classification (germline): Benign/Likely benign. Review status: criteria provided, multiple submitters, no conflicts (2 of 4 stars). 5 submissions from 5 submitters: Benign (1); Likely benign (4). Last evaluated 2026-02-04.

Conditions:
Joubert syndrome 25 (JBTS25). Identifiers: Orphanet 475, MedGen C4084842, MONDO:0014770, OMIM 616781.

Allele frequency attached by ClinVar (database versions not stated): TOPMed 0.00546; 1000 Genomes Project 0.00639; ESP Exome Variant Server 0.00654; 1000 Genomes Project 30x 0.00703.
gnomAD v4.1: 1,567 of 1,613,652 alleles (0.097%); highest among the groups gnomAD compares: African/African-American, 1.8%; 9 homozygotes.

Submissions (10):

Labcorp Genetics (formerly Invitae), Labcorp
Classification: Benign for Joubert syndrome 25. Last evaluated: 2026-02-04. Review status: criteria provided, single submitter. Criteria: Invitae Variant Classification Sherloc (09022015). Collection method: clinical testing. Allele origin: germline.

Mayo Clinic Laboratories, Mayo Clinic
Classification: Likely benign. Last evaluated: 2025-04-22. Review status: criteria provided, single submitter. Criteria: ACMG Guidelines, 2015. Collection method: clinical testing. Allele origin: germline. Observed: 1 variant allele.
Comment: BS1, BP4_moderate

Blueprint Genetics
Classification: Likely benign. Last evaluated: 2024-10-14. Review status: criteria provided, single submitter. Criteria: ACMG Guidelines, 2015. Collection method: clinical testing. Allele origin: germline.

GeneDx
Classification: Likely benign. Last evaluated: 2020-12-16. Review status: criteria provided, single submitter. Criteria: GeneDx Variant Classification Process June 2021. Collection method: clinical testing. Allele origin: germline. Affected: yes.

Breakthrough Genomics
Classification: Likely benign. Review status: criteria provided, single submitter. Criteria: ACMG Guidelines, 2015. Collection method: not provided. Allele origin: germline. Inheritance: Autosomal recessive inheritance. Affected: yes.

Dr. Peter K. Rogan Lab, Western University
No classification provided (evidence only). Condition: Cervical cancer. Review status: no classification provided. Collection method: in vitro. Allele origin: not applicable. Functional consequence: retained intron. Not counted in ClinVar's aggregate classification.

Dr. Peter K. Rogan Lab, Western University
No classification provided (evidence only). Condition: Hepatocellular carcinoma. Review status: no classification provided. Collection method: in vitro. Allele origin: not applicable. Functional consequence: retained intron. Not counted in ClinVar's aggregate classification.

Dr. Peter K. Rogan Lab, Western University
No classification provided (evidence only). Condition: Ovarian serous cystadenocarcinoma. Review status: no classification provided. Collection method: in vitro. Allele origin: not applicable. Functional consequence: retained intron. Not counted in ClinVar's aggregate classification.

Dr. Peter K. Rogan Lab, Western University
No classification provided (evidence only). Condition: Uterine carcinosarcoma. Review status: no classification provided. Collection method: in vitro. Allele origin: not applicable. Functional consequence: retained intron. Not counted in ClinVar's aggregate classification.

Dr. Peter K. Rogan Lab, Western University
No classification provided (evidence only). Condition: Lymphoma. Review status: no classification provided. Collection method: in vitro. Allele origin: not applicable. Functional consequence: retained intron. Not counted in ClinVar's aggregate classification.